The following is an entry in ClinVar:

ClinVar aggregate classification (germline): Uncertain significance (1 of 4 stars; one submission).

Submission:

Labcorp Genetics (formerly Invitae), Labcorp
Classification: Uncertain significance. Last evaluated: 2024-05-13. Review status: criteria provided, single submitter. Criteria: Invitae Variant Classification Sherloc (09022015). Collection method: clinical testing. Allele origin: germline.
Comment: This sequence change replaces glutamic acid, which is acidic and polar, with glycine, which is neutral and non-polar, at codon 187 of the CCBE1 protein (p.Glu187Gly). This variant is not present in population databases (gnomAD no frequency). This variant has not been reported in the literature in individuals affected with CCBE1-related conditions. ClinVar contains an entry for this variant (Variation ID: 1722305). Advanced modeling of protein sequence and biophysical properties (such as structural, functional, and spatial information, amino acid conservation, physicochemical variation, residue mobility, and thermodynamic stability) performed at Invitae indicates that this missense variant is not expected to disrupt CCBE1 protein function with a negative predictive value of 80%. In summary, the available evidence is currently insufficient to determine the role of this variant in disease. Therefore, it has been classified as a Variant of Uncertain Significance.

NM_133459.4(CCBE1):c.560A>G (p.Glu187Gly)

Gene: CCBE1 (collagen and calcium binding EGF domains 1; minus strand). Cytogenetic location: 18q21.32.
Variant type: single nucleotide variant.
Coding change: c.560A>G on transcript NM_133459.4 (MANE Select); coding-DNA position 560, A replaced by G.
Protein change: p.Glu187Gly; replaces glutamic acid 187 with glycine.
Molecular consequence: missense variant.
Genome position (GRCh38, 1-based): chr18:59,454,945, T>C on the plus strand (A>G on the coding strand, the complement: CCBE1 is on the minus strand). VCF-style: chr18-59454945-T-C. GRCh37 (hg19) VCF-style: chr18-57122177-T-C.
Other names: short protein forms E187G.
Identifiers: ClinVar variation 1722305 (VCV001722305.5), dbSNP rs2511563485, ClinGen allele CA402596957.